The following is an entry in ClinVar:

NM_138704.4(NSMCE3):c.236C>T (p.Pro79Leu)

Genes: ENTREP2 (endosomal transmembrane epsin interactor 2; minus strand), NSMCE3 (NSE3 homolog, SMC5-SMC6 complex component; minus strand). Cytogenetic location: 15q13.1.
Variant type: single nucleotide variant.
Coding change: c.236C>T on transcript NM_138704.4 (MANE Select); coding-DNA position 236, C replaced by T.
Protein change: p.Pro79Leu; replaces proline 79 with leucine.
Molecular consequence: missense variant. On other transcripts: intron variant (5).
Genome position (GRCh38, 1-based): chr15:29,269,470, G>A on the plus strand (C>T on the coding strand, the complement: NSMCE3 is on the minus strand). VCF-style: chr15-29269470-G-A. GRCh37 (hg19) VCF-style: chr15-29561674-G-A.
Other names: c.-12-16992C>T (NM_001387217.1, NM_001387215.1, NM_001387216.1); c.277-16992C>T (NM_001387214.1, NM_015307.2); short protein forms P79L.
Identifiers: ClinVar variation 999122 (VCV000999122.6), dbSNP rs893355014, ClinGen allele CA268359571.
Genomic context (GRCh38, chr15:29,269,470, plus strand): 5'-TTAATCAGCAAGAACTGCACCAGCTCGGACACTTTCAGCTCCAGCTGCTTCTGGCTCCTG[G>A]GCCCCACGGCGGGGGCGGCCTGGGCCCGGCGGGCGCCCTGAGGCGAGGGGCCCTGCGACC-3'
Protein context (NP_619649.1, residues 69-89): RRAQAAPAVG[Pro79Leu]RSQKQLELKV

ClinVar aggregate classification (germline): Uncertain significance (1 of 4 stars; one submission).

Allele frequency attached by ClinVar (database versions not stated): gnomAD exomes below 0.00001; TOPMed below 0.00001.
gnomAD v4.1: 1 of 1,612,628 alleles (0.000062%); highest among the groups gnomAD compares: Non-Finnish European, 0.000085%; no homozygotes.

Submission:

Labcorp Genetics (formerly Invitae), Labcorp
Classification: Uncertain significance. Last evaluated: 2021-08-28. Review status: criteria provided, single submitter. Criteria: Invitae Variant Classification Sherloc (09022015). Collection method: clinical testing. Allele origin: germline.
Comment: This sequence change replaces proline with leucine at codon 79 of the NSMCE3 protein (p.Pro79Leu). The proline residue is weakly conserved and there is a moderate physicochemical difference between proline and leucine. This variant is not present in population databases (ExAC no frequency). This variant has not been reported in the literature in individuals affected with NSMCE3-related conditions. Algorithms developed to predict the effect of missense changes on protein structure and function (SIFT, PolyPhen-2, Align-GVGD) all suggest that this variant is likely to be tolerated. In summary, the available evidence is currently insufficient to determine the role of this variant in disease. Therefore, it has been classified as a Variant of Uncertain Significance.